The following is an entry in ClinVar:

ClinVar aggregate classification (germline): Likely pathogenic (1 of 4 stars; one submission).

Conditions:
RPGRIP1L-related disorder. Also called: RPGRIP1L-related condition; RPGRIP1L-related disorders. Identifiers: MedGen CN239416.

Submission:

PreventionGenetics, part of Exact Sciences
Classification: Likely pathogenic for RPGRIP1L-related condition. Last evaluated: 2026-09-01. Review status: criteria provided, single submitter. Criteria: ACMG Guidelines, 2015. Collection method: clinical testing. Allele origin: germline.
Comment: The RPGRIP1L c.646C>T variant is predicted to result in premature protein termination (p.Gln216*). To our knowledge, this variant has not been reported in the literature or in a large population database (gnomAD), indicating this variant is rare. Nonsense variants in RPGRIP1L are expected to be pathogenic. This variant is interpreted as likely pathogenic.

NM_015272.5(RPGRIP1L):c.646C>T (p.Gln216Ter)

Gene: RPGRIP1L (RPGRIP1 like; minus strand). Cytogenetic location: 16q12.2.
Variant type: single nucleotide variant.
Coding change: c.646C>T on transcript NM_015272.5 (MANE Select); coding-DNA position 646, C replaced by T.
Protein change: p.Gln216Ter; replaces glutamine 216 with a stop codon.
Molecular consequence: nonsense.
Genome position (GRCh38, 1-based): chr16:53,686,563, G>A on the plus strand (C>T on the coding strand, the complement: RPGRIP1L is on the minus strand). VCF-style: chr16-53686563-G-A. GRCh37 (hg19) VCF-style: chr16-53720475-G-A.
Other names: c.646C>T, p.Gln216Ter (NM_001127897.4, NM_001308334.3, NM_001330538.2); short protein forms Q216*.
Identifiers: ClinVar variation 4983144 (VCV004983144.1).